The following is an entry in ClinVar:

NC_000017.10:g.(?_56809825)_(56809925_?)del

Gene: RAD51C (RAD51 paralog C; plus strand). Cytogenetic location: 17q22.
Variant type: Deletion.
Identifiers: ClinVar variation 3243080 (VCV003243080.1).

ClinVar aggregate classification (germline): Pathogenic (1 of 4 stars; one submission).

Conditions:
Fanconi anemia complementation group O. Also called: RAD51C-Related Fanconi Anemia. Identifiers: Orphanet 84, MedGen C3150653, MONDO:0013248, OMIM 613390.

Submission:

Labcorp Genetics (formerly Invitae), Labcorp
Classification: Pathogenic for Fanconi anemia complementation group O. Last evaluated: 2024-01-03. Review status: criteria provided, single submitter. Criteria: Invitae Variant Classification Sherloc (09022015). Collection method: clinical testing. Allele origin: unknown.
Comment: This variant is a gross deletion of the genomic region encompassing exon(s) 8 of the RAD51C gene. While this deletion is not anticipated to lead to nonsense mediated decay, it is expected to disrupt the C-terminus of the protein. This variant has not been reported in the literature in individuals affected with RAD51C-related conditions. This variant disrupts the nuclear localization signal (NLS) of the RAD51C protein, which is important for proper localization and function of the RAD51C protein (PMID:12966089). While functional studies have not been performed to directly test the effect of this variant on RAD51C protein function, this suggests that disruption of this region of the protein is causative of disease. For these reasons, this variant has been classified as Pathogenic.

Literature cited by the submitters: PubMed 12966089.